The following is an entry in ClinVar:

NM_000260.4(MYO7A):c.5388del (p.Asp1797fs)

Gene: MYO7A (myosin VIIA; plus strand). Cytogenetic location: 11q13.5.
Variant type: Deletion.
Coding change: c.5388del on transcript NM_000260.4 (MANE Select); coding-DNA position 5388, one base deleted (C; older notation c.5388delC).
Protein change: p.Asp1797fs; shifts the reading frame from aspartic acid 1797.
Molecular consequence: frameshift variant.
Genome position (GRCh38, 1-based): chr11:77,204,137, C deleted; the last of 2 consecutive C bases (chr11:77,204,136-77,204,137); deleting either gives the same sequence. VCF-style (leftmost placement, unchanged base first): chr11-77204135-AC-A. GRCh37 (hg19) VCF-style: chr11-76915180-AC-A.
Other names: c.5274del, p.Asp1759fs (NM_001127180.2); c.5241del, p.Asp1748fs (NM_001369365.1); short protein forms D1759fs, D1748fs, D1797fs.
Identifiers: ClinVar variation 3691395 (VCV003691395.2).

ClinVar aggregate classification (germline): Pathogenic (1 of 4 stars; one submission).

Submission:

Labcorp Genetics (formerly Invitae), Labcorp
Classification: Pathogenic. Last evaluated: 2024-05-18. Review status: criteria provided, single submitter. Criteria: Invitae Variant Classification Sherloc (09022015). Collection method: clinical testing. Allele origin: germline.
Comment: This sequence change creates a premature translational stop signal (p.Asp1797Thrfs*8) in the MYO7A gene. It is expected to result in an absent or disrupted protein product. Loss-of-function variants in MYO7A are known to be pathogenic (PMID: 8900236, 25404053). This variant is not present in population databases (gnomAD no frequency). This variant has not been reported in the literature in individuals affected with MYO7A-related conditions. For these reasons, this variant has been classified as Pathogenic.

Literature cited by the submitters: PubMed 8900236; PubMed 25404053.